The following is an entry in ClinVar:

NM_152564.5(VPS13B):c.291+2T>A

Gene: VPS13B (vacuolar protein sorting 13 homolog B; plus strand). Cytogenetic location: 8q22.2.
Variant type: single nucleotide variant.
Coding change: c.291+2T>A on transcript NM_152564.5 (MANE Select); the canonical splice donor site of the intron after coding-DNA position 291, T replaced by A.
Molecular consequence: splice donor variant.
Genome position (GRCh38, 1-based): chr8:99,038,568, T>A. VCF-style: chr8-99038568-T-A. GRCh37 (hg19) VCF-style: chr8-100050796-T-A.
Other names: c.291+2T>A (NM_017890.5, NM_015243.3, NM_181661.3).
Identifiers: ClinVar variation 2702450 (VCV002702450.3), dbSNP rs2488268190, ClinGen allele CA371859909.

ClinVar aggregate classification (germline): Likely pathogenic (1 of 4 stars; one submission).

Conditions:
Cohen syndrome (COH1). Also called: PEPPER SYNDROME; Cutis verticis gyrata, retinitis pigmentosa, and sensorineural deafness. Identifiers: Orphanet 193, MedGen C0265223, MONDO:0008999, OMIM 216550.

Submission:

Labcorp Genetics (formerly Invitae), Labcorp
Classification: Likely pathogenic for Cohen syndrome. Last evaluated: 2023-12-12. Review status: criteria provided, single submitter. Criteria: Invitae Variant Classification Sherloc (09022015). Collection method: clinical testing. Allele origin: germline.
Comment: This sequence change affects a donor splice site in intron 3 of the VPS13B gene. It is expected to disrupt RNA splicing. Variants that disrupt the donor or acceptor splice site typically lead to a loss of protein function (PMID: 16199547), and loss-of-function variants in VPS13B are known to be pathogenic (PMID: 15141358, 16648375, 20461111). This variant is not present in population databases (gnomAD no frequency). This variant has not been reported in the literature in individuals affected with VPS13B-related conditions. Algorithms developed to predict the effect of sequence changes on RNA splicing suggest that this variant may disrupt the consensus splice site. In summary, the currently available evidence indicates that the variant is pathogenic, but additional data are needed to prove that conclusively. Therefore, this variant has been classified as Likely Pathogenic.

Literature cited by the submitters: PubMed 16199547; PubMed 15141358; PubMed 16648375; PubMed 20461111.